The following is an entry in ClinVar:

NM_032444.4(SLX4):c.100C>T (p.Gln34Ter)

Gene: SLX4 (SLX4 structure-specific endonuclease subunit; minus strand). Cytogenetic location: 16p13.3.
Variant type: single nucleotide variant.
Coding change: c.100C>T on transcript NM_032444.4 (MANE Select); coding-DNA position 100, C replaced by T.
Protein change: p.Gln34Ter; replaces glutamine 34 with a stop codon.
Molecular consequence: nonsense.
Genome position (GRCh38, 1-based): chr16:3,608,865, G>A on the plus strand (C>T on the coding strand, the complement: SLX4 is on the minus strand). VCF-style: chr16-3608865-G-A. GRCh37 (hg19) VCF-style: chr16-3658866-G-A.
Other names: short protein forms Q34*.
Identifiers: ClinVar variation 2581697 (VCV002581697.1), dbSNP rs2151139881, ClinGen allele CA394547963.

ClinVar aggregate classification (germline): Pathogenic (1 of 4 stars; one submission).

Conditions:
Fanconi anemia (FA). Also called: Fanconi's anemia. Identifiers: Orphanet 84, MedGen C0015625, MeSH D005199, MONDO:0019391.

Submission:

Women's Health and Genetics/Laboratory Corporation of America, LabCorp
Classification: Pathogenic for Fanconi anemia. Last evaluated: 2023-08-14. Review status: criteria provided, single submitter. Criteria: LabCorp Variant Classification Summary - May 2015. Collection method: clinical testing. Allele origin: germline.
Comment: Variant summary: BTBD12 c.100C>T (p.Gln34X) results in a premature termination codon, predicted to cause a truncation of the encoded protein or absence of the protein due to nonsense mediated decay, which are commonly known mechanisms for disease. The variant was absent in 251472 control chromosomes. To our knowledge, no occurrence of c.100C>T in individuals affected with Fanconi Anemia and no experimental evidence demonstrating its impact on protein function have been reported. No submitters have cited clinical-significance assessments for this variant to ClinVar after 2014. Based on the evidence outlined above, the variant was classified as pathogenic.